The following is an entry in ClinVar:

NM_000642.3(AGL):c.1002_1005dup (p.Ile336fs)

Gene: AGL (amylo-alpha-1,6-glucosidase and 4-alpha-glucanotransferase; plus strand). Cytogenetic location: 1p21.2.
Variant type: Duplication.
Coding change: c.1002_1005dup on transcript NM_000642.3 (MANE Select); coding-DNA positions 1002 to 1005, 4 bases duplicated (GATT; older notation c.1002_1005dupGATT).
Protein change: p.Ile336fs; shifts the reading frame from isoleucine 336.
Molecular consequence: frameshift variant.
Genome position (GRCh38, 1-based): chr1:99,874,730-99,874,733, GATT duplicated. VCF-style (leftmost placement, unchanged base first): chr1-99874729-C-CGATT. GRCh37 (hg19) VCF-style: chr1-100340285-C-CGATT.
Other names: c.1002_1005dup, p.Ile336Aspfs (NM_000028.3, NM_000643.3, NM_000644.3 and 3 more transcripts); c.954_957dup, p.Ile320Aspfs (NM_000646.3); c.798_801dup, p.Ile268Aspfs (NM_001425328.1, NM_001425329.1); c.624_627dup, p.Ile210Aspfs (NM_001425332.1); c.1002_1005dupGATT (NM_000642.2); c.1002_1005dup (NM_000642.2); short protein forms I320fs, I336fs.
Identifiers: ClinVar variation 1949995 (VCV001949995.7), dbSNP rs1487094304, ClinGen allele CA741026514.

ClinVar aggregate classification (germline): Pathogenic/Likely pathogenic. Review status: criteria provided, multiple submitters, no conflicts (2 of 4 stars). 3 submissions from 3 submitters: Pathogenic (1); Likely pathogenic (2). Last evaluated 2025-12-26.

Conditions:
AGL-related disorder. Also called: AGL-related condition.
Glycogen storage disease type III (GSD3). Also called: FORBES DISEASE; Cori disease. Identifiers: Orphanet 366, MedGen C0017922, MONDO:0009291, OMIM 232400.

Allele frequency attached by ClinVar (database versions not stated): gnomAD 0.00001; TOPMed 0.00001; gnomAD exomes below 0.00001.

Submissions (3):

Labcorp Genetics (formerly Invitae), Labcorp
Classification: Pathogenic for Glycogen storage disease type III. Last evaluated: 2025-12-26. Review status: criteria provided, single submitter. Criteria: Invitae Variant Classification Sherloc (09022015). Collection method: clinical testing. Allele origin: germline.
Comment: This sequence change creates a premature translational stop signal (p.Ile336Aspfs*6) in the AGL gene. It is expected to result in an absent or disrupted protein product. Loss-of-function variants in AGL are known to be pathogenic (PMID: 19299494). This variant is not present in population databases (gnomAD no frequency). This variant has not been reported in the literature in individuals affected with AGL-related conditions. ClinVar contains an entry for this variant (Variation ID: 1949995). For these reasons, this variant has been classified as Pathogenic.

Natera, Inc.
Classification: Likely pathogenic for Glycogen storage disease type III. Last evaluated: 2025-09-25. Review status: criteria provided, single submitter. Criteria: Natera Variant Classification Schema (03/2026). Collection method: clinical testing. Allele origin: germline.
Comment: The c.1002_1005dup variant in AGL is a frameshift variant predicted to shift the reading frame beginning at codon 336 and leads to a stop codon 6 codons downstream. This variant is expected to result in nonsense mediated decay, truncation, or a dysfunctional protein product. This variant is rare in the general population with a frequency below the threshold expected for the associated phenotype(s). Given the available evidence, this variant is classified as Likely Pathogenic.

PreventionGenetics, part of Exact Sciences
Classification: Likely pathogenic for AGL-related condition. Last evaluated: 2025-08-22. Review status: criteria provided, single submitter. Criteria: ACMG Guidelines, 2015. Collection method: clinical testing. Allele origin: germline.
Comment: The AGL c.1002_1005dupGATT variant is predicted to result in a frameshift and premature protein termination (p.Ile336Aspfs*6). To our knowledge, this variant has not been reported in the literature or in a large population database (gnomAD), indicating this variant is rare. Frameshift variants in AGL are expected to be pathogenic. This variant is interpreted as likely pathogenic.

Literature cited by the submitters: PubMed 19299494 (cited by Labcorp Genetics (formerly Invitae), Labcorp).